The following is an entry in ClinVar:

ClinVar aggregate classification (germline): Uncertain significance (1 of 4 stars; one submission).

Conditions:
Hypercholesterolemia, autosomal dominant, type B (FHCL2). Also called: Familial hypercholesterolemia 2; Familial Hypercholesterolemia Type B; APOLIPOPROTEIN B-100, FAMILIAL DEFECTIVE; APOLIPOPROTEIN B-100, FAMILIAL LIGAND-DEFECTIVE; HYPERCHOLESTEROLEMIA, FAMILIAL, DUE TO LIGAND-DEFECTIVE APOLIPOPROTEIN B; Hyperlipoproteinemia Type IIb. Identifiers: MedGen C1704417, MONDO:0007751, OMIM 144010.
Familial hypobetalipoproteinemia 1. Also called: APOB-Related Familial Hypobetalipoproteinemia; Hypobetalipoproteinemia, normotriglyceridemic; Acanthocytosis with hypobetalipoproteinemia. Identifiers: MedGen C4551990, MONDO:0014252, OMIM 615558.

Submission:

Labcorp Genetics (formerly Invitae), Labcorp
Classification: Uncertain significance for Familial hypobetalipoproteinemia 1; Hypercholesterolemia, autosomal dominant, type B. Last evaluated: 2022-03-13. Review status: criteria provided, single submitter. Criteria: Invitae Variant Classification Sherloc (09022015). Collection method: clinical testing. Allele origin: germline.
Comment: This sequence change replaces isoleucine, which is neutral and non-polar, with leucine, which is neutral and non-polar, at codon 891 of the APOB protein (p.Ile891Leu). This variant is not present in population databases (gnomAD no frequency). Algorithms developed to predict the effect of missense changes on protein structure and function output the following: SIFT: "Tolerated"; PolyPhen-2: "Benign"; Align-GVGD: "Class C0". The leucine amino acid residue is found in multiple mammalian species, which suggests that this missense change does not adversely affect protein function. This variant has not been reported in the literature in individuals affected with APOB-related conditions. In summary, the available evidence is currently insufficient to determine the role of this variant in disease. Therefore, it has been classified as a Variant of Uncertain Significance.

NM_000384.3(APOB):c.2671A>C (p.Ile891Leu)

Gene: APOB (apolipoprotein B; minus strand). Cytogenetic location: 2p24.1.
Variant type: single nucleotide variant.
Coding change: c.2671A>C on transcript NM_000384.3 (MANE Select); coding-DNA position 2671, A replaced by C.
Protein change: p.Ile891Leu; replaces isoleucine 891 with leucine.
Molecular consequence: missense variant.
Genome position (GRCh38, 1-based): chr2:21,022,976, T>G on the plus strand (A>C on the coding strand, the complement: APOB is on the minus strand). VCF-style: chr2-21022976-T-G. GRCh37 (hg19) VCF-style: chr2-21245848-T-G.
Other names: short protein forms I891L.
Identifiers: ClinVar variation 2110928 (VCV002110928.4), dbSNP rs2465407250, ClinGen allele CA346010776.